The following is an entry in ClinVar:

NM_020937.4(FANCM):c.3619A>G (p.Arg1207Gly)

Gene: FANCM (FA complementation group M; plus strand). Cytogenetic location: 14q21.2.
Variant type: single nucleotide variant.
Coding change: c.3619A>G on transcript NM_020937.4 (MANE Select); coding-DNA position 3619, A replaced by G.
Protein change: p.Arg1207Gly; replaces arginine 1207 with glycine.
Molecular consequence: missense variant.
Genome position (GRCh38, 1-based): chr14:45,176,373, A>G. VCF-style: chr14-45176373-A-G. GRCh37 (hg19) VCF-style: chr14-45645576-A-G.
Other names: c.3541A>G, p.Arg1181Gly (NM_001308133.2); short protein forms R1181G, R1207G.
Identifiers: ClinVar variation 3848566 (VCV003848566.1).

ClinVar aggregate classification (germline): Uncertain significance (1 of 4 stars; one submission).

Conditions:
Inborn genetic diseases. Identifiers: MedGen C0950123, MeSH D030342.

gnomAD v4.1: 1 of 1,613,132 alleles (0.000062%); highest among the groups gnomAD compares: Non-Finnish European, 0.000085%; no homozygotes.

Submission:

Ambry Genetics
Classification: Uncertain significance for Inborn genetic diseases. Last evaluated: 2025-01-02. Review status: criteria provided, single submitter. Criteria: Ambry Variant Classification Scheme 2023. Collection method: clinical testing. Allele origin: germline.
Comment: The p.R1207G variant (also known as c.3619A>G), located in coding exon 14 of the FANCM gene, results from an A to G substitution at nucleotide position 3619. The arginine at codon 1207 is replaced by glycine, an amino acid with dissimilar properties. This amino acid position is conserved. In addition, this alteration is predicted to be tolerated by in silico analysis. Based on the available evidence, the clinical significance of this variant remains unclear.